The following is an entry in ClinVar:

ClinVar aggregate classification (germline): Likely benign (1 of 4 stars; one submission).

Conditions:
PTPRO-related disorder. Also called: PTPRO-related condition.

gnomAD v4.1: 8 of 1,613,928 alleles (0.0005%); highest among the groups gnomAD compares: South Asian, 0.0088%; no homozygotes.

Submission:

PreventionGenetics, part of Exact Sciences
Classification: Likely benign for PTPRO-related condition. Last evaluated: 2026-01-22. Review status: criteria provided, single submitter. Criteria: ACMG Guidelines, 2015. Collection method: clinical testing. Allele origin: germline.
Comment: This variant is classified as likely benign based on ACMG/AMP sequence variant interpretation guidelines (Richards et al. 2015 PMID: 25741868, with internal and published modifications).

NM_030667.3(PTPRO):c.2139C>T (p.Thr713=)

Genes: PTPRO (protein tyrosine phosphatase receptor type O; plus strand), LOC126861467 (CDK7 strongly-dependent group 2 enhancer GRCh37_chr12:15678492-15679691; plus strand). Cytogenetic location: 12p12.3.
Variant type: single nucleotide variant.
Coding change: c.2139C>T on transcript NM_030667.3 (MANE Select); coding-DNA position 2139, C replaced by T.
Protein change: p.Thr713=; no amino-acid change (threonine 713 retained).
Molecular consequence: synonymous variant.
Genome position (GRCh38, 1-based): chr12:15,526,237, C>T. VCF-style: chr12-15526237-C-T. GRCh37 (hg19) VCF-style: chr12-15679171-C-T.
Other names: c.2139C>T, p.Thr713= (NM_002848.4).
Identifiers: ClinVar variation 4981973 (VCV004981973.1).
Genomic context (GRCh38, chr12:15,526,237, plus strand): 5'-GCCTCCAGGCGACATCTATAACCTCTCAGTAACTGCTTGTACTGAAAGAGGAAGTAATAC[C>T]TCCATGCTCCGCCTTGTCAAGCTAGGTAAGAAGAGTGCACAGAGATGGGTGTGAAATAAT-3'
Protein context (NP_109592.1, residues 703-723): VTACTERGSN[Thr713=]SMLRLVKLEP